The following is an entry in ClinVar:

NM_000081.4(LYST):c.8790G>T (p.Leu2930=)

Gene: LYST (lysosomal trafficking regulator; minus strand). Cytogenetic location: 1q42.3.
Variant type: single nucleotide variant.
Coding change: c.8790G>T on transcript NM_000081.4 (MANE Select); coding-DNA position 8790, G replaced by T.
Protein change: p.Leu2930=; no amino-acid change (leucine 2930 retained).
Molecular consequence: synonymous variant.
Genome position (GRCh38, 1-based): chr1:235,733,514, C>A on the plus strand (G>T on the coding strand, the complement: LYST is on the minus strand). VCF-style: chr1-235733514-C-A. GRCh37 (hg19) VCF-style: chr1-235896814-C-A.
Other names: c.8790G>T, p.Leu2930= (NM_001301365.1).
Identifiers: ClinVar variation 3905676 (VCV003905676.10).

ClinVar aggregate classification (germline): Likely benign (1 of 4 stars; one submission).

Submission:

CeGaT Center for Human Genetics Tuebingen
Classification: Likely benign. Last evaluated: 2025-06-01. Review status: criteria provided, single submitter. Criteria: CeGaT Center For Human Genetics Tuebingen Variant Classification Criteria Version 2. Collection method: clinical testing. Allele origin: germline. Affected: yes. Observed: 1 variant allele.
Comment: LYST: PM2:Supporting, BP4, BP7